The following is an entry in ClinVar:

NM_007294.4(BRCA1):c.3467A>G (p.Asp1156Gly)

Genes: BRCA1 (BRCA1 DNA repair associated; minus strand), LOC126862571 (BRD4-independent group 4 enhancer GRCh37_chr17:41243136-41244335; plus strand). Cytogenetic location: 17q21.31.
Variant type: single nucleotide variant.
Coding change: c.3467A>G on transcript NM_007294.4 (MANE Select); coding-DNA position 3467, A replaced by G.
Protein change: p.Asp1156Gly; replaces aspartic acid 1156 with glycine.
Molecular consequence: missense variant. On other transcripts: intron variant (135).
Genome position (GRCh38, 1-based): chr17:43,092,064, T>C on the plus strand (A>G on the coding strand, the complement: BRCA1 is on the minus strand). VCF-style: chr17-43092064-T-C. GRCh37 (hg19) VCF-style: chr17-41244081-T-C.
Other names: c.3467A>G, p.Asp1156Gly (NM_001407858.1, NM_001407859.1, NM_001407581.1 and 30 more transcripts); c.3464A>G, p.Asp1155Gly (NM_001407861.1, NM_001407860.1, NM_001407587.1 and 22 more transcripts); c.3266A>G, p.Asp1089Gly (NM_001407862.1); c.3344A>G, p.Asp1115Gly (NM_001407863.1, NM_001407648.1, NM_001407664.1 and 19 more transcripts); c.665-1032A>G (NM_001408443.1, NM_001408439.1, NM_001408425.1 and 12 more transcripts); c.671-1032A>G (NM_001408419.1, NM_001408423.1, NM_001408420.1 and 2 more transcripts); c.788-1032A>G (NM_001408403.1, NM_001407983.1, NM_001408404.1 and 17 more transcripts); c.578-1032A>G (NM_001408492.1, NM_001408513.1, NM_001408489.1 and 9 more transcripts); and 41 more; short protein forms D1028G, D1029G, D1044G, D1045G, D1067G, D1068G, D1085G, D1086G.
Identifiers: ClinVar variation 3226137 (VCV003226137.1), dbSNP rs2154312065, ClinGen allele CA10595047.

ClinVar aggregate classification (germline): Uncertain significance (1 of 4 stars; one submission).

Conditions:
Hereditary cancer-predisposing syndrome. Also called: Neoplastic Syndromes, Hereditary; Tumor predisposition; Hereditary neoplastic syndrome; Hereditary Cancer Syndrome. Identifiers: Orphanet 140162, MedGen C0027672, MeSH D009386, MONDO:0015356.

Submission:

Ambry Genetics
Classification: Uncertain significance for Hereditary cancer-predisposing syndrome. Last evaluated: 2024-01-11. Review status: criteria provided, single submitter. Criteria: Ambry Variant Classification Scheme 2023. Collection method: clinical testing. Allele origin: germline.
Comment: The p.D1156G variant (also known as c.3467A>G), located in coding exon 9 of the BRCA1 gene, results from an A to G substitution at nucleotide position 3467. The aspartic acid at codon 1156 is replaced by glycine, an amino acid with similar properties. This amino acid position is well conserved in available vertebrate species. In addition, this alteration is predicted to be tolerated by in silico analysis. Since supporting evidence is limited at this time, the clinical significance of this alteration remains unclear.